The following is an entry in ClinVar:

ClinVar aggregate classification (germline): Pathogenic (1 of 4 stars; one submission).

Conditions:
Deficiency of acetyl-CoA acetyltransferase. Also called: 3-KETOTHIOLASE DEFICIENCY; 3-OXOTHIOLASE DEFICIENCY; MITOCHONDRIAL ACETOACETYL-CoA THIOLASE DEFICIENCY; Beta-ketothiolase deficiency. Identifiers: Orphanet 134, MedGen C1536500, MONDO:0008760, OMIM 203750. Disease mechanism: loss of function.

Submission:

Myriad Genetics, Inc.
Classification: Pathogenic for Deficiency of acetyl-CoA acetyltransferase. Last evaluated: 2025-03-02. Review status: criteria provided, single submitter. Criteria: Myriad Autosomal Dominant, Autosomal Recessive and X-Linked Classification Criteria (2023). Collection method: clinical testing. Allele origin: unknown.
Comment: NM_000019.3(ACAT1):c.607A>T(K203*) is expected to be pathogenic in the context of beta-ketothiolase deficiency. This variant is predicted to lead to an abnormal or absent protein product due to the creation of a premature termination codon in ACAT1, a gene where loss-of-function variants are known to be pathogenic. Please note: this variant was assessed in the context of healthy population screening.

NM_000019.4(ACAT1):c.607A>T (p.Lys203Ter)

Gene: ACAT1 (acetyl-CoA acetyltransferase 1; plus strand). Cytogenetic location: 11q22.3.
Variant type: single nucleotide variant.
Coding change: c.607A>T on transcript NM_000019.4 (MANE Select); coding-DNA position 607, A replaced by T.
Protein change: p.Lys203Ter; replaces lysine 203 with a stop codon.
Molecular consequence: nonsense. On other transcripts: non-coding transcript variant (2).
Genome position (GRCh38, 1-based): chr11:108,140,092, A>T. VCF-style: chr11-108140092-A-T. GRCh37 (hg19) VCF-style: chr11-108010819-A-T.
Other names: c.310A>T, p.Lys104Ter (NM_001386679.1); c.337A>T, p.Lys113Ter (NM_001386681.1, NM_001386682.1, NM_001386685.1 and 6 more transcripts); c.607A>T, p.Lys203Ter (NM_001386677.1); c.292A>T, p.Lys98Ter (NM_001386678.1); short protein forms K104*, K113*, K203*, K98*.
Identifiers: ClinVar variation 5014171 (VCV005014171.1).